The following is an entry in ClinVar:

ClinVar aggregate classification (germline): Likely benign (0 of 4 stars; one submission).

Conditions:
DNAH17-related disorder. Also called: DNAH17-related condition.

Allele frequency attached by ClinVar (database versions not stated): gnomAD 0.00005; ESP Exome Variant Server 0.00008; TOPMed 0.00011; ExAC 0.00012.
gnomAD v4.1: 166 of 1,614,034 alleles (0.01%); highest among the groups gnomAD compares: Middle Eastern, 0.082%; 1 homozygote.

Submission:

PreventionGenetics, part of Exact Sciences
Classification: Likely benign for DNAH17-related condition. Last evaluated: 2019-04-15. Review status: no assertion criteria provided. Collection method: clinical testing. Allele origin: germline.
Comment: This variant is classified as likely benign based on ACMG/AMP sequence variant interpretation guidelines (Richards et al. 2015 PMID: 25741868, with internal and published modifications).

NM_173628.4(DNAH17):c.4017C>T (p.Thr1339=)

Gene: DNAH17 (dynein axonemal heavy chain 17; minus strand). Cytogenetic location: 17q25.3.
Variant type: single nucleotide variant.
Coding change: c.4017C>T on transcript NM_173628.4 (MANE Select); coding-DNA position 4017, C replaced by T.
Protein change: p.Thr1339=; no amino-acid change (threonine 1339 retained).
Molecular consequence: synonymous variant.
Genome position (GRCh38, 1-based): chr17:78,514,870, G>A on the plus strand (C>T on the coding strand, the complement: DNAH17 is on the minus strand). VCF-style: chr17-78514870-G-A. GRCh37 (hg19) VCF-style: chr17-76510952-G-A.
Identifiers: ClinVar variation 3060691 (VCV003060691.2), dbSNP rs375012517, ClinGen allele CA8803934.